The following is an entry in ClinVar:

ClinVar aggregate classification (germline): Benign. Review status: criteria provided, multiple submitters, no conflicts (2 of 4 stars). 3 submissions from 3 submitters: Benign (2). 1 of the submissions does not count toward it. Last evaluated 2021-02-24.

Conditions:
CR1-related disorder. Also called: CR1-related condition.

Allele frequency attached by ClinVar (database versions not stated): gnomAD exomes 0.32136; ExAC 0.33411; ESP Exome Variant Server 0.38429; gnomAD 0.40194 and 0.40658; TOPMed 0.42231; 1000 Genomes Project 0.49341; 1000 Genomes Project 30x 0.49953.

Submissions (3):

GeneDx
Classification: Benign. Last evaluated: 2021-02-24. Review status: criteria provided, single submitter. Criteria: GeneDx Variant Classification Process June 2021. Collection method: clinical testing. Allele origin: germline. Affected: yes.
Comment: This variant is associated with the following publications: (PMID: 23856853, 31182772, 21700265, 24018213, 23591632)

Breakthrough Genomics
Classification: Benign. Review status: criteria provided, single submitter. Criteria: ACMG Guidelines, 2015. Collection method: not provided. Allele origin: germline. Inheritance: Unknown mechanism. Affected: yes.

PreventionGenetics, part of Exact Sciences
Classification: Benign for CR1-related condition. Last evaluated: 2019-10-17. Review status: no assertion criteria provided. Collection method: clinical testing. Allele origin: germline. Not counted in ClinVar's aggregate classification.
Comment: This variant is classified as benign based on ACMG/AMP sequence variant interpretation guidelines (Richards et al. 2015 PMID: 25741868, with internal and published modifications).

NM_000651.6(CR1):c.6193A>G (p.Ile2065Val)

Gene: CR1 (complement C3b/C4b receptor 1 (Knops blood group); plus strand). Cytogenetic location: 1q32.2.
Variant type: single nucleotide variant.
Coding change: c.6193A>G on transcript NM_000651.6 (MANE Select); coding-DNA position 6193, A replaced by G.
Protein change: p.Ile2065Val; replaces isoleucine 2065 with valine.
Molecular consequence: missense variant.
Genome position (GRCh38, 1-based): chr1:207,609,586, A>G. VCF-style: chr1-207609586-A-G. GRCh37 (hg19) VCF-style: chr1-207782931-A-G.
Other names: c.4843A>G, p.Ile1615Val (NM_000573.4, NM_001381851.1); c.6193A>G (NM_000651.4); short protein forms I2065V, I1615V.
Identifiers: ClinVar variation 1252113 (VCV001252113.7), dbSNP rs6691117, ClinGen allele CA1370373.